The following is an entry in ClinVar:

NM_000219.6(KCNE1):c.183C>A (p.Ile61=)

Gene: KCNE1 (potassium voltage-gated channel subfamily E regulatory subunit 1; minus strand). Cytogenetic location: 21q22.12.
Variant type: single nucleotide variant.
Coding change: c.183C>A on transcript NM_000219.6 (MANE Select); coding-DNA position 183, C replaced by A.
Protein change: p.Ile61=; no amino-acid change (isoleucine 61 retained).
Molecular consequence: synonymous variant.
Genome position (GRCh38, 1-based): chr21:34,449,452, G>T on the plus strand (C>A on the coding strand, the complement: KCNE1 is on the minus strand). VCF-style: chr21-34449452-G-T. GRCh37 (hg19) VCF-style: chr21-35821750-G-T.
Other names: c.183C>A, p.Ile61= (NM_001127668.4, NM_001127669.4, NM_001127670.4 and 4 more transcripts).
Identifiers: ClinVar variation 3374265 (VCV003374265.2).
Genomic context (GRCh38, chr21:34,449,452, plus strand): 5'-GTAGACGTTGAATGGGTCGTTCGAGTGCTCCAGCTTCTTGGAGCGGATGTAGCTCAGCAT[G>T]ATGCCCAGGGTGAAGAAGCCGAAGAATCCCAGTACCATGAGGACGTAGAGGGCCTCCAGC-3'
Protein context (NP_000210.2, residues 51-71): LGFFGFFTLG[Ile61=]MLSYIRSKKL

Conditions:
Long QT syndrome 5 (LQT5). Identifiers: Orphanet 101016, Orphanet 768, MedGen C1867904, MONDO:0013372, OMIM 613695.

Submission:

Roden Lab, Vanderbilt University Medical Center
No classification provided (evidence only). Condition: Long QT syndrome 5. Review status: no classification provided. Collection method: in vitro. Allele origin: not applicable. Functional consequence: Effect on ion channel function.
ClinVar note: "not provided" was previously submitted as the classification for the variant. However, the classification appeared to be based only on an observation of functional data so it was converted to no classification on 2025-07-30.